The following is an entry in ClinVar:

ClinVar aggregate classification (germline): Uncertain significance. Review status: criteria provided, multiple submitters, no conflicts (2 of 4 stars). 2 submissions from 2 submitters: Uncertain significance (2). Last evaluated 2022-08-16.

Conditions:
Hereditary cancer-predisposing syndrome. Also called: Hereditary Cancer Syndrome; Neoplastic Syndromes, Hereditary; Hereditary neoplastic syndrome; Tumor predisposition. Identifiers: Orphanet 140162, MedGen C0027672, MeSH D009386, MONDO:0015356.
Familial cancer of breast. Also called: Hereditary breast cancer; hereditary breast carcinoma; BREAST CANCER, FAMILIAL. Identifiers: Orphanet 227535, MedGen C0346153, MONDO:0016419, OMIM 114480. Disease mechanism: loss of function.
Fanconi anemia complementation group J. Also called: BRIP1-Related Fanconi Anemia. Identifiers: Orphanet 84, MedGen C1836860, MONDO:0012187, OMIM 609054.

Submissions (2):

Labcorp Genetics (formerly Invitae), Labcorp
Classification: Uncertain significance for Familial cancer of breast; Fanconi anemia complementation group J. Last evaluated: 2022-08-16. Review status: criteria provided, single submitter. Criteria: Invitae Variant Classification Sherloc (09022015). Collection method: clinical testing. Allele origin: germline.
Comment: This variant is not present in population databases (gnomAD no frequency). This variant has not been reported in the literature in individuals affected with BRIP1-related conditions. ClinVar contains an entry for this variant (Variation ID: 820218). Algorithms developed to predict the effect of missense changes on protein structure and function are either unavailable or do not agree on the potential impact of this missense change (SIFT: "Tolerated"; PolyPhen-2: "Probably Damaging"; Align-GVGD: "Class C0"). In summary, the available evidence is currently insufficient to determine the role of this variant in disease. Therefore, it has been classified as a Variant of Uncertain Significance. This sequence change replaces phenylalanine, which is neutral and non-polar, with leucine, which is neutral and non-polar, at codon 623 of the BRIP1 protein (p.Phe623Leu).

Ambry Genetics
Classification: Uncertain significance for Hereditary cancer-predisposing syndrome. Last evaluated: 2018-01-29. Review status: criteria provided, single submitter. Criteria: Ambry Variant Classification Scheme 2023. Collection method: clinical testing. Allele origin: germline.
Comment: The p.F623L variant (also known as c.1867T>C), located in coding exon 12 of the BRIP1 gene, results from a T to C substitution at nucleotide position 1867. The phenylalanine at codon 623 is replaced by leucine, an amino acid with highly similar properties. This amino acid position is highly conserved in available vertebrate species. In addition, the in silico prediction for this alteration is inconclusive. Since supporting evidence is limited at this time, the clinical significance of this alteration remains unclear.

Literature cited by the submitters: PubMed 28195569 (cited by Ambry Genetics).

NM_032043.3(BRIP1):c.1867T>C (p.Phe623Leu)

Gene: BRIP1 (BRCA1 interacting DNA helicase 1; minus strand). Cytogenetic location: 17q23.2.
Variant type: single nucleotide variant.
Coding change: c.1867T>C on transcript NM_032043.3 (MANE Select); coding-DNA position 1867, T replaced by C.
Protein change: p.Phe623Leu; replaces phenylalanine 623 with leucine.
Molecular consequence: missense variant.
Genome position (GRCh38, 1-based): chr17:61,780,329, A>G on the plus strand (T>C on the coding strand, the complement: BRIP1 is on the minus strand). VCF-style: chr17-61780329-A-G. GRCh37 (hg19) VCF-style: chr17-59857690-A-G.
Other names: short protein forms F623L.
Identifiers: ClinVar variation 820218 (VCV000820218.9), dbSNP rs864622438, ClinGen allele CA400480082.